The following is an entry in ClinVar:

ClinVar aggregate classification (germline): Uncertain significance (1 of 4 stars; one submission).

Allele frequency attached by ClinVar (database versions not stated): gnomAD exomes 0.00001; TOPMed 0.00001; gnomAD 0.00002.
gnomAD v4.1: 14 of 1,614,076 alleles (0.00087%); highest among the groups gnomAD compares: African/African-American, 0.0013%; no homozygotes.

Submission:

Labcorp Genetics (formerly Invitae), Labcorp
Classification: Uncertain significance. Last evaluated: 2024-02-16. Review status: criteria provided, single submitter. Criteria: Invitae Variant Classification Sherloc (09022015). Collection method: clinical testing. Allele origin: germline.
Comment: This sequence change replaces alanine, which is neutral and non-polar, with valine, which is neutral and non-polar, at codon 1352 of the LCT protein (p.Ala1352Val). This variant is present in population databases (no rsID available, gnomAD 0.01%). This variant has not been reported in the literature in individuals affected with LCT-related conditions. ClinVar contains an entry for this variant (Variation ID: 1896848). Advanced modeling of protein sequence and biophysical properties (such as structural, functional, and spatial information, amino acid conservation, physicochemical variation, residue mobility, and thermodynamic stability) performed at Invitae indicates that this missense variant is not expected to disrupt LCT protein function with a negative predictive value of 80%. In summary, the available evidence is currently insufficient to determine the role of this variant in disease. Therefore, it has been classified as a Variant of Uncertain Significance.

NM_002299.4(LCT):c.4055C>T (p.Ala1352Val)

Gene: LCT (lactase; minus strand). Cytogenetic location: 2q21.3.
Variant type: single nucleotide variant.
Coding change: c.4055C>T on transcript NM_002299.4 (MANE Select); coding-DNA position 4055, C replaced by T.
Protein change: p.Ala1352Val; replaces alanine 1352 with valine.
Molecular consequence: missense variant.
Genome position (GRCh38, 1-based): chr2:135,807,246, G>A on the plus strand (C>T on the coding strand, the complement: LCT is on the minus strand). VCF-style: chr2-135807246-G-A. GRCh37 (hg19) VCF-style: chr2-136564816-G-A.
Other names: short protein forms A1352V.
Identifiers: ClinVar variation 1896848 (VCV001896848.4), dbSNP rs1246684288, ClinGen allele CA348597594.